The following is an entry in ClinVar:

ClinVar aggregate classification (germline): Conflicting classifications of pathogenicity. Review status: criteria provided, conflicting classifications (1 of 4 stars). 5 submissions from 5 submitters: Uncertain significance (2); Benign (1); Likely benign (1). 1 of the submissions does not count toward it. Last evaluated 2026-01-24.

Conditions:
LAMA2-related muscular dystrophy (LAMA2-RD). Also called: Laminin alpha 2-related dystrophy. Identifiers: MedGen C5679788, MONDO:0100228.
LAMA2-related disorder. Also called: LAMA2-related disorders; LAMA2-related condition.

Allele frequency attached by ClinVar (database versions not stated): ExAC 0.00012; gnomAD 0.00022 and 0.00023; TOPMed 0.00024; ESP Exome Variant Server 0.00031.
gnomAD v4.1: 346 of 1,596,756 alleles (0.022%); highest among the groups gnomAD compares: Admixed American, 0.037%; no homozygotes.

Submissions (5):

Labcorp Genetics (formerly Invitae), Labcorp
Classification: Benign for LAMA2-related muscular dystrophy. Last evaluated: 2026-01-24. Review status: criteria provided, single submitter. Criteria: Invitae Variant Classification Sherloc (09022015). Collection method: clinical testing. Allele origin: germline.

Revvity Omics, Revvity
Classification: Uncertain significance. Last evaluated: 2025-01-28. Review status: criteria provided, single submitter. Criteria: ACMG Guidelines, 2015. Collection method: clinical testing. Allele origin: germline.

Blueprint Genetics
Classification: Likely benign. Last evaluated: 2024-10-31. Review status: criteria provided, single submitter. Criteria: ACMG Guidelines, 2015. Collection method: clinical testing. Allele origin: germline.

Mayo Clinic Laboratories, Mayo Clinic
Classification: Uncertain significance. Last evaluated: 2023-10-23. Review status: criteria provided, single submitter. Criteria: ACMG Guidelines, 2015. Collection method: clinical testing. Allele origin: germline. Observed: 2 variant alleles.
Comment: BP4

PreventionGenetics, part of Exact Sciences
Classification: Uncertain significance for LAMA2-related condition. Last evaluated: 2024-08-06. Review status: no assertion criteria provided. Collection method: clinical testing. Allele origin: germline. Not counted in ClinVar's aggregate classification.
Comment: The LAMA2 c.902C>T variant is predicted to result in the amino acid substitution p.Ala301Val. To our knowledge, this variant has not been reported in the literature. This variant is reported in 0.048% of alleles in individuals of Latino descent in gnomAD. At this time, the clinical significance of this variant is uncertain due to the absence of conclusive functional and genetic evidence.

NM_000426.4(LAMA2):c.902C>T (p.Ala301Val)

Gene: LAMA2 (laminin subunit alpha 2; plus strand). Cytogenetic location: 6q22.33.
Variant type: single nucleotide variant.
Coding change: c.902C>T on transcript NM_000426.4 (MANE Select); coding-DNA position 902, C replaced by T.
Protein change: p.Ala301Val; replaces alanine 301 with valine.
Molecular consequence: missense variant.
Genome position (GRCh38, 1-based): chr6:129,147,041, C>T. VCF-style: chr6-129147041-C-T. GRCh37 (hg19) VCF-style: chr6-129468186-C-T.
Other names: p.Ala301Val; c.902C>T, p.Ala301Val (NM_001079823.2); short protein forms A301V.
Identifiers: ClinVar variation 861738 (VCV000861738.12), dbSNP rs144053918, ClinGen allele CA3992456.